The following is an entry in ClinVar:

ClinVar aggregate classification (germline): Uncertain significance (1 of 4 stars; one submission).

Conditions:
Carnitine palmitoyl transferase 1A deficiency. Also called: Carnitine palmitoyltransferase 1A deficiency; Carnitine palmitoyltransferase type I deficiency; CPT deficiency, hepatic, type IA; CPT I DEFICIENCY; CPT DEFICIENCY, HEPATIC, TYPE I. Identifiers: Orphanet 156, MedGen C1829703, MONDO:0009705, OMIM 255120.

Submission:

Labcorp Genetics (formerly Invitae), Labcorp
Classification: Uncertain significance for Carnitine palmitoyl transferase 1A deficiency. Last evaluated: 2022-06-08. Review status: criteria provided, single submitter. Criteria: Invitae Variant Classification Sherloc (09022015). Collection method: clinical testing. Allele origin: germline.
Comment: In summary, the available evidence is currently insufficient to determine the role of this variant in disease. Therefore, it has been classified as a Variant of Uncertain Significance. Algorithms developed to predict the effect of sequence changes on RNA splicing suggest that this variant is not likely to affect RNA splicing. This variant has not been reported in the literature in individuals affected with CPT1A-related conditions. This variant is not present in population databases (gnomAD no frequency). This sequence change affects codon 525 of the CPT1A mRNA. It is a 'silent' change, meaning that it does not change the encoded amino acid sequence of the CPT1A protein. It affects a nucleotide within the consensus splice site.

NM_001876.4(CPT1A):c.1575A>G (p.Glu525=)

Gene: CPT1A (carnitine palmitoyltransferase 1A; minus strand). Cytogenetic location: 11q13.3.
Variant type: single nucleotide variant.
Coding change: c.1575A>G on transcript NM_001876.4 (MANE Select); coding-DNA position 1575, A replaced by G.
Protein change: p.Glu525=; no amino-acid change (glutamic acid 525 retained).
Molecular consequence: synonymous variant.
Genome position (GRCh38, 1-based): chr11:68,775,316, T>C on the plus strand (A>G on the coding strand, the complement: CPT1A is on the minus strand). VCF-style: chr11-68775316-T-C. GRCh37 (hg19) VCF-style: chr11-68542784-T-C.
Other names: c.1575A>G, p.Glu525= (NM_001031847.3).
Identifiers: ClinVar variation 2003553 (VCV002003553.4), dbSNP rs1855113550, ClinGen allele CA475189182.